The following is an entry in ClinVar:

NM_001134707.2(SARDH):c.815-5C>T

Gene: SARDH (sarcosine dehydrogenase; minus strand). Cytogenetic location: 9q34.2.
Variant type: single nucleotide variant.
Coding change: c.815-5C>T on transcript NM_001134707.2 (MANE Select); 5 bases into the intron before coding-DNA position 815, C replaced by T.
Molecular consequence: intron variant.
Genome position (GRCh38, 1-based): chr9:133,729,870, G>A on the plus strand (C>T on the coding strand, the complement: SARDH is on the minus strand). VCF-style: chr9-133729870-G-A. GRCh37 (hg19) VCF-style: chr9-136594992-G-A.
Other names: c.815-5C>T (NM_007101.4).
Identifiers: ClinVar variation 3059661 (VCV003059661.2), dbSNP rs780553272, ClinGen allele CA5314648.

ClinVar aggregate classification (germline): Likely benign (0 of 4 stars; one submission).

Conditions:
SARDH-related disorder. Also called: SARDH-related condition.

Allele frequency attached by ClinVar (database versions not stated): gnomAD 0.00003; TOPMed 0.00005; ExAC 0.00010.
gnomAD v4.1: 53 of 1,611,014 alleles (0.0033%); highest among the groups gnomAD compares: Admixed American, 0.033%; no homozygotes.

Submission:

PreventionGenetics, part of Exact Sciences
Classification: Likely benign for SARDH-related condition. Last evaluated: 2019-03-19. Review status: no assertion criteria provided. Collection method: clinical testing. Allele origin: germline.
Comment: This variant is classified as likely benign based on ACMG/AMP sequence variant interpretation guidelines (Richards et al. 2015 PMID: 25741868, with internal and published modifications).